The following is an entry in ClinVar:

NM_017999.5(RNF31):c.2854A>G (p.Met952Val)

Gene: RNF31 (ring finger protein 31; plus strand). Cytogenetic location: 14q12.
Variant type: single nucleotide variant.
Coding change: c.2854A>G on transcript NM_017999.5 (MANE Select); coding-DNA position 2854, A replaced by G.
Protein change: p.Met952Val; replaces methionine 952 with valine.
Molecular consequence: missense variant.
Genome position (GRCh38, 1-based): chr14:24,158,154, A>G. VCF-style: chr14-24158154-A-G. GRCh37 (hg19) VCF-style: chr14-24627363-A-G.
Other names: c.2401A>G, p.Met801Val (NM_001310332.2); short protein forms M801V, M952V.
Identifiers: ClinVar variation 3611044 (VCV003611044.2).

ClinVar aggregate classification (germline): Uncertain significance (1 of 4 stars; one submission).

Submission:

Labcorp Genetics (formerly Invitae), Labcorp
Classification: Uncertain significance. Last evaluated: 2024-11-29. Review status: criteria provided, single submitter. Criteria: Invitae Variant Classification Sherloc (09022015). Collection method: clinical testing. Allele origin: germline.
Comment: This sequence change replaces methionine, which is neutral and non-polar, with valine, which is neutral and non-polar, at codon 952 of the RNF31 protein (p.Met952Val). This variant is not present in population databases (gnomAD no frequency). This variant has not been reported in the literature in individuals affected with RNF31-related conditions. An algorithm developed to predict the effect of missense changes on protein structure and function (PolyPhen-2) suggests that this variant is likely to be tolerated. In summary, the available evidence is currently insufficient to determine the role of this variant in disease. Therefore, it has been classified as a Variant of Uncertain Significance.